The following is an entry in ClinVar:

NM_052867.4(NALCN):c.1267-3T>C

Gene: NALCN (sodium leak channel, non-selective; minus strand). Cytogenetic location: 13q33.1.
Variant type: single nucleotide variant.
Coding change: c.1267-3T>C on transcript NM_052867.4 (MANE Select); 3 bases into the intron before coding-DNA position 1267, T replaced by C.
Molecular consequence: intron variant.
Genome position (GRCh38, 1-based): chr13:101,237,925, A>G on the plus strand (T>C on the coding strand, the complement: NALCN is on the minus strand). VCF-style: chr13-101237925-A-G. GRCh37 (hg19) VCF-style: chr13-101890276-A-G.
Other names: c.1180-3T>C (NM_001350751.2, NM_001350750.2); c.1267-3T>C (NM_001350749.2, NM_001350748.2).
Identifiers: ClinVar variation 2889522 (VCV002889522.3), dbSNP rs776852220, ClinGen allele CA7036239.

ClinVar aggregate classification (germline): Uncertain significance (1 of 4 stars; one submission).

Allele frequency attached by ClinVar (database versions not stated): TOPMed below 0.00001; gnomAD 0.00001; gnomAD exomes 0.00002; ExAC 0.00003.
gnomAD v4.1: 33 of 1,592,396 alleles (0.0021%); highest among the groups gnomAD compares: Non-Finnish European, 0.0006%; no homozygotes.

Submission:

Labcorp Genetics (formerly Invitae), Labcorp
Classification: Uncertain significance. Last evaluated: 2023-11-21. Review status: criteria provided, single submitter. Criteria: Invitae Variant Classification Sherloc (09022015). Collection method: clinical testing. Allele origin: germline.
Comment: This sequence change falls in intron 11 of the NALCN gene. It does not directly change the encoded amino acid sequence of the NALCN protein. It affects a nucleotide within the consensus splice site. This variant is present in population databases (rs776852220, gnomAD 0.03%). This variant has not been reported in the literature in individuals affected with NALCN-related conditions. Variants that disrupt the consensus splice site are a relatively common cause of aberrant splicing (PMID: 17576681, 9536098). Algorithms developed to predict the effect of sequence changes on RNA splicing suggest that this variant is not likely to affect RNA splicing. In summary, the available evidence is currently insufficient to determine the role of this variant in disease. Therefore, it has been classified as a Variant of Uncertain Significance.

Literature cited by the submitters: PubMed 17576681; PubMed 9536098.